The following is an entry in ClinVar:

ClinVar aggregate classification (germline): Benign/Likely benign. Review status: criteria provided, multiple submitters, no conflicts (2 of 4 stars). 3 submissions from 3 submitters: Benign (2); Likely benign (1). Last evaluated 2025-10-14.

Conditions:
Acrodysostosis 2 with or without hormone resistance. Also called: ACRODYSOSTOSIS 2 WITH HORMONE RESISTANCE; ACRODYSOSTOSIS 2 WITHOUT HORMONE RESISTANCE. Identifiers: Orphanet 280651, MedGen C3553250, MONDO:0013822, OMIM 614613.

Allele frequency attached by ClinVar (database versions not stated): gnomAD 0.00003; TOPMed 0.00003; gnomAD exomes 0.00004 and 0.00011; ExAC 0.00012; 1000 Genomes Project 30x 0.00016; 1000 Genomes Project 0.00020.
gnomAD v4.1: 65 of 1,612,678 alleles (0.004%); highest among the groups gnomAD compares: East Asian, 0.14%; no homozygotes.

Submissions (3):

Labcorp Genetics (formerly Invitae), Labcorp
Classification: Benign. Last evaluated: 2025-10-14. Review status: criteria provided, single submitter. Criteria: Invitae Variant Classification Sherloc (09022015). Collection method: clinical testing. Allele origin: germline.

Blueprint Genetics
Classification: Likely benign. Last evaluated: 2020-08-03. Review status: criteria provided, single submitter. Criteria: ACMG Guidelines, 2015. Collection method: clinical testing. Allele origin: germline.

Illumina Laboratory Services, Illumina
Classification: Benign for Acrodysostosis 2 with or without hormone resistance. Last evaluated: 2018-01-13. Review status: criteria provided, single submitter. Criteria: ICSL Variant Classification Criteria 13 December 2019. Collection method: clinical testing. Allele origin: germline.
Comment: This variant was observed in the ICSL laboratory as part of a predisposition screen in an ostensibly healthy population. It had not been previously curated by ICSL or reported in the Human Gene Mutation Database (HGMD: prior to June 1st, 2018), and was therefore a candidate for classification through an automated scoring system. Utilizing variant allele frequency, disease prevalence and penetrance estimates, and inheritance mode, an automated score was calculated to assess if this variant is too frequent to cause the disease. Based on the score and internal cut-off values, a variant classified as benign is not then subjected to further curation. The score for this variant resulted in a classification of benign for this disease.

NM_001104631.2(PDE4D):c.705T>C (p.Thr235=)

Gene: PDE4D (phosphodiesterase 4D; minus strand). Cytogenetic location: 5q11.2.
Variant type: single nucleotide variant.
Coding change: c.705T>C on transcript NM_001104631.2 (MANE Select); coding-DNA position 705, T replaced by C.
Protein change: p.Thr235=; no amino-acid change (threonine 235 retained).
Molecular consequence: synonymous variant. On other transcripts: 5 prime UTR variant (1), intron variant (2).
Genome position (GRCh38, 1-based): chr5:59,185,242, A>G on the plus strand (T>C on the coding strand, the complement: PDE4D is on the minus strand). VCF-style: chr5-59185242-A-G. GRCh37 (hg19) VCF-style: chr5-58481068-A-G.
Other names: c.522T>C, p.Thr174= (NM_001165899.2, NM_001364599.1, NM_001364600.2); c.513T>C, p.Thr171= (NM_001197218.2, NM_001364602.2); c.339T>C, p.Thr113= (NM_001197219.2); c.315T>C, p.Thr105= (NM_001197220.2); c.492T>C, p.Thr164= (NM_001349241.2); c.375T>C, p.Thr125= (NM_001349242.2); c.-246T>C (NM_001364603.1); c.297T>C, p.Thr99= (NM_006203.5); and 1 more.
Identifiers: ClinVar variation 353997 (VCV000353997.13), dbSNP rs199590419, ClinGen allele CA3276354.